The following is an entry in ClinVar:

NM_004006.3(DMD):c.5860A>T (p.Lys1954Ter)

Gene: DMD (dystrophin; minus strand). Cytogenetic location: Xp21.1.
Variant type: single nucleotide variant.
Coding change: c.5860A>T on transcript NM_004006.3 (MANE Select); coding-DNA position 5860, A replaced by T.
Protein change: p.Lys1954Ter; replaces lysine 1954 with a stop codon.
Molecular consequence: nonsense.
Genome position (GRCh38, 1-based): chrX:32,342,162, T>A on the plus strand (A>T on the coding strand, the complement: DMD is on the minus strand). VCF-style: chrX-32342162-T-A. GRCh37 (hg19) VCF-style: chrX-32360279-T-A.
Other names: c.5836A>T, p.Lys1946Ter (NM_000109.4); c.5848A>T, p.Lys1950Ter (NM_004009.3); c.5491A>T, p.Lys1831Ter (NM_004010.3); c.1837A>T, p.Lys613Ter (NM_004011.4); c.1828A>T, p.Lys610Ter (NM_004012.4); short protein forms K1831*, K1946*, K1950*, K1954*, K610*, K613*.
Identifiers: ClinVar variation 983655 (VCV000983655.4), dbSNP rs2097746958, ClinGen allele CA412664905.
Genomic context (GRCh38, chrX:32,342,162, plus strand): 5'-TTTGTGCAAAGTTGAGTCTTCGAAACTGAGCAAATTTGCTCTCAATTTCCCGCCAGCGCT[T>A]GCTGAGCTGGATCTGAGTTGGCTCCACTGCCATTGCGGCCCCATCCTCAGACAAGCCCTC-3'

ClinVar aggregate classification (germline): Likely pathogenic (1 of 4 stars; one submission).

Conditions:
Progressive muscular dystrophy. Identifiers: Orphanet 206644, MedGen C4551827, MONDO:0016106.

Submission:

Myriad Genetics, Inc.
Classification: Likely pathogenic for Progressive muscular dystrophy. Last evaluated: 2019-05-15. Review status: criteria provided, single submitter. Criteria: Myriad Autosomal Dominant, Autosomal Recessive and X-Linked Classification Criteria (2023). Collection method: clinical testing. Allele origin: unknown.
Comment: NM_004006.2(DMD):c.5860A>T(K1954*) is expected to be pathogenic in the context of dystrophinopathy (including Duchenne/Becker muscular dystrophy). This variant is predicted to lead to an abnormal or absent protein product due to the creation of a premature termination codon in DMD, a gene where loss-of-function variants are known to be pathogenic. Please note: this variant was assessed in the context of healthy population screening.